The following is an entry in ClinVar:

ClinVar aggregate classification (germline): Uncertain significance (1 of 4 stars; one submission).

Submission:

Labcorp Genetics (formerly Invitae), Labcorp
Classification: Uncertain significance. Last evaluated: 2024-05-21. Review status: criteria provided, single submitter. Criteria: Invitae Variant Classification Sherloc (09022015). Collection method: clinical testing. Allele origin: germline.
Comment: This sequence change replaces serine, which is neutral and polar, with proline, which is neutral and non-polar, at codon 603 of the MSH3 protein (p.Ser603Pro). This variant is not present in population databases (gnomAD no frequency). This variant has not been reported in the literature in individuals affected with MSH3-related conditions. ClinVar contains an entry for this variant (Variation ID: 963101). An algorithm developed to predict the effect of missense changes on protein structure and function (PolyPhen-2) suggests that this variant is likely to be disruptive. In summary, the available evidence is currently insufficient to determine the role of this variant in disease. Therefore, it has been classified as a Variant of Uncertain Significance.

NM_002439.5(MSH3):c.1807T>C (p.Ser603Pro)

Gene: MSH3 (mutS homolog 3; plus strand). Cytogenetic location: 5q14.1.
Variant type: single nucleotide variant.
Coding change: c.1807T>C on transcript NM_002439.5 (MANE Select); coding-DNA position 1807, T replaced by C.
Protein change: p.Ser603Pro; replaces serine 603 with proline.
Molecular consequence: missense variant.
Genome position (GRCh38, 1-based): chr5:80,761,589, T>C. VCF-style: chr5-80761589-T-C. GRCh37 (hg19) VCF-style: chr5-80057408-T-C.
Other names: short protein forms S603P.
Identifiers: ClinVar variation 963101 (VCV000963101.9), dbSNP rs751907249, ClinGen allele CA360276553.